The following is an entry in ClinVar:

ClinVar aggregate classification (germline): Uncertain significance (1 of 4 stars; one submission).

Submission:

CeGaT Center for Human Genetics Tuebingen
Classification: Uncertain significance. Last evaluated: 2026-05-01. Review status: criteria provided, single submitter. Criteria: CeGaT Center For Human Genetics Tuebingen Variant Classification Criteria Version 2. Collection method: clinical testing. Allele origin: germline. Affected: yes. Observed: 1 variant allele.
Comment: PPP1R3F: PM2, BP4

NM_033215.5(PPP1R3F):c.1736G>T (p.Gly579Val)

Gene: PPP1R3F (protein phosphatase 1 regulatory subunit 3F; plus strand). Cytogenetic location: Xp11.23.
Variant type: single nucleotide variant.
Coding change: c.1736G>T on transcript NM_033215.5 (MANE Select); coding-DNA position 1736, G replaced by T.
Protein change: p.Gly579Val; replaces glycine 579 with valine.
Molecular consequence: missense variant.
Genome position (GRCh38, 1-based): chrX:49,286,426, G>T. VCF-style: chrX-49286426-G-T. GRCh37 (hg19) VCF-style: chrX-49142888-G-T.
Other names: c.698G>T, p.Gly233Val (NM_001184745.2); short protein forms G233V, G579V.
Identifiers: ClinVar variation 4873870 (VCV004873870.2).